The following is an entry in ClinVar:

NM_206933.4(USH2A):c.490G>T (p.Val164Phe)

Gene: USH2A (usherin; minus strand). Cytogenetic location: 1q41.
Variant type: single nucleotide variant.
Coding change: c.490G>T on transcript NM_206933.4 (MANE Select); coding-DNA position 490, G replaced by T.
Protein change: p.Val164Phe; replaces valine 164 with phenylalanine.
Molecular consequence: missense variant.
Genome position (GRCh38, 1-based): chr1:216,418,675, C>A on the plus strand (G>T on the coding strand, the complement: USH2A is on the minus strand). VCF-style: chr1-216418675-C-A. GRCh37 (hg19) VCF-style: chr1-216592017-C-A.
Other names: c.490G>T, p.Val164Phe (NM_007123.6); short protein forms V164F.
Identifiers: ClinVar variation 143182 (VCV000143182.18), dbSNP rs527236123, ClinGen allele CA270157.

ClinVar aggregate classification (germline): Pathogenic/Likely pathogenic. Review status: criteria provided, multiple submitters, no conflicts (2 of 4 stars). 7 submissions from 7 submitters: Pathogenic (3); Likely pathogenic (3). 1 of the submissions does not count toward it. Last evaluated 2025-10-21.

Conditions:
USH2A-related disorder. Also called: USH2A-related disorders; USH2A-related condition. Identifiers: MedGen CN239332.
Retinal dystrophy. Also called: Inherited retinal dystrophy. Identifiers: Orphanet 71862, MedGen C0854723, MeSH D058499, MONDO:0019118, HP:0000556.
Retinitis pigmentosa (RP). Identifiers: Orphanet 791, MedGen C0035334, MeSH D012174, MONDO:0019200, OMIM 268000. Inheritance: Autosomal dominant, autosomal recessive and X linked inheritance.
Retinitis pigmentosa 39 (RP39). Identifiers: Orphanet 791, MedGen C3151138, MONDO:0013436, OMIM 613809.
Usher syndrome type 2A. Also called: RETINAL DISEASE IN USHER SYNDROME TYPE IIA, MODIFIER OF; USHER SYNDROME, TYPE IIA. Identifiers: Orphanet 231178, Orphanet 886, MedGen C1848634, MONDO:0010169, OMIM 276901.

gnomAD v4.1: 3 of 1,612,888 alleles (0.00019%); highest among the groups gnomAD compares: East Asian, 0.0067%; no homozygotes.

Submissions (7):

Natera, Inc.
Classification: Likely pathogenic for Usher syndrome type 2A. Last evaluated: 2025-10-21. Review status: criteria provided, single submitter. Criteria: Natera Variant Classification Schema (03/2026). Collection method: clinical testing. Allele origin: germline.
Comment: The c.490G>T variant in USH2A is a missense variant predicted to cause substitution of valine to phenylalanine at amino acid 164. This variant is rare in the general population with a frequency below the threshold expected for the associated phenotype(s). This variant has been observed in at least one unaffected individual, with a zygosity that is consistent with the inheritance pattern for the associated condition (in gnomAD and/or literature) (PMID: 24043777). This variant has been observed in one or more individuals affected with the associated recessive disease, as either homozygous or compound heterozygous with a second variant (PMID: 25324289, 29785639, 31213501, 33247286, 33105608). This variant has been identified in one or more affected individual with a phenotype highly consistent with the associated gene (PMID: 25324289). Computational prediction algorithms indicate this variant is likely to affect gene or protein function. Given the available evidence, this variant is classified as Likely Pathogenic.

Baylor Genetics
Classification: Pathogenic for Retinitis pigmentosa 39. Last evaluated: 2024-02-06. Review status: criteria provided, single submitter. Criteria: ACMG Guidelines, 2015. Collection method: clinical testing. Allele origin: unknown.

Genome-Nilou Lab
Classification: Likely pathogenic for Retinitis pigmentosa 39. Last evaluated: 2023-11-04. Review status: criteria provided, single submitter. Criteria: ACMG Guidelines, 2015. Collection method: clinical testing. Allele origin: germline. Affected: no.

Dept Of Ophthalmology, Nagoya University
Classification: Pathogenic for Retinal dystrophy. Last evaluated: 2023-10-01. Review status: criteria provided, single submitter. Criteria: Submitter's publication. Collection method: research. Allele origin: germline. Affected: yes.

Labcorp Genetics (formerly Invitae), Labcorp
Classification: Likely pathogenic. Last evaluated: 2023-01-10. Review status: criteria provided, single submitter. Criteria: Invitae Variant Classification Sherloc (09022015). Collection method: clinical testing. Allele origin: germline.
Comment: This sequence change replaces valine, which is neutral and non-polar, with phenylalanine, which is neutral and non-polar, at codon 164 of the USH2A protein (p.Val164Phe). This variant is not present in population databases (gnomAD no frequency). This missense change has been observed in individuals with USH2A-related conditions (PMID: 25324289, 29785639; Invitae). ClinVar contains an entry for this variant (Variation ID: 143182). Advanced modeling of protein sequence and biophysical properties (such as structural, functional, and spatial information, amino acid conservation, physicochemical variation, residue mobility, and thermodynamic stability) performed at Invitae indicates that this missense variant is not expected to disrupt USH2A protein function. In summary, the currently available evidence indicates that the variant is pathogenic, but additional data are needed to prove that conclusively. Therefore, this variant has been classified as Likely Pathogenic.

Blueprint Genetics
Classification: Pathogenic for USH2A-related disorders. Last evaluated: 2019-03-26. Review status: criteria provided, single submitter. Criteria: ACMG Guidelines, 2015. Collection method: clinical testing. Allele origin: germline. Affected: yes. Observed: 2 variant alleles.

Department of Ophthalmology and Visual Sciences Kyoto University
Classification: Likely pathogenic for Retinitis pigmentosa. Review status: no assertion criteria provided. Collection method: not provided. Allele origin: unknown. Not counted in ClinVar's aggregate classification.
ClinVar note: Converted during submission from probable-pathogenic to Likely pathogenic.

Literature cited by the submitters: PubMed 24043777 (cited by Natera, Inc.); PubMed 25324289 (cited by Natera, Inc. and Labcorp Genetics (formerly Invitae), Labcorp); PubMed 29785639 (cited by Natera, Inc. and Labcorp Genetics (formerly Invitae), Labcorp); PubMed 31213501 (cited by Natera, Inc.); PubMed 33247286 (cited by Natera, Inc.); PubMed 33105608 (cited by Natera, Inc.).